The following is an entry in ClinVar:

NM_001384140.1(PCDH15):c.1917+98C>A

Gene: PCDH15 (protocadherin related 15; minus strand). Cytogenetic location: 10q21.1.
Variant type: single nucleotide variant.
Coding change: c.1917+98C>A on transcript NM_001384140.1 (MANE Select); 98 bases into the intron after coding-DNA position 1917, C replaced by A.
Molecular consequence: intron variant.
Genome position (GRCh38, 1-based): chr10:54,132,777, G>T on the plus strand (C>A on the coding strand, the complement: PCDH15 is on the minus strand). VCF-style: chr10-54132777-G-T. GRCh37 (hg19) VCF-style: chr10-55892537-G-T.
Other names: c.1917+98C>A (NM_001354420.2, NM_001354429.2, NM_001142772.2 and 5 more transcripts); c.1932+98C>A (NM_001142771.2, NM_001142763.2); c.1938+98C>A (NM_001354411.2); c.1953+98C>A (NM_001142769.3); c.1851+98C>A (NM_001354404.2, NM_001142773.2, NM_001142768.2); c.1806+98C>A (NM_001142767.2); c.1784+20323C>A (NM_001142765.2).
Identifiers: ClinVar variation 679520 (VCV000679520.2), dbSNP rs80313657, ClinGen allele CA207196159.

ClinVar aggregate classification (germline): Benign. Review status: criteria provided, multiple submitters, no conflicts (2 of 4 stars). 2 submissions from 2 submitters: Benign (2). Last evaluated 2018-06-16.

Allele frequency attached by ClinVar (database versions not stated): 1000 Genomes Project 30x 0.01280; gnomAD 0.01382 and 0.01487; TOPMed 0.01565; 1000 Genomes Project 0.01098.
gnomAD v4.1: 4,171 of 1,526,138 alleles (0.27%); highest among the groups gnomAD compares: African/African-American, 4.8%; 97 homozygotes.

Submissions (2):

GeneDx
Classification: Benign. Last evaluated: 2018-06-16. Review status: criteria provided, single submitter. Criteria: GeneDx Variant Classification (06012015). Collection method: clinical testing. Allele origin: germline. Affected: yes.
Comment: This variant is considered likely benign or benign based on one or more of the following criteria: it is a conservative change, it occurs at a poorly conserved position in the protein, it is predicted to be benign by multiple in silico algorithms, and/or has population frequency not consistent with disease.

Breakthrough Genomics
Classification: Benign. Review status: criteria provided, single submitter. Criteria: ACMG Guidelines, 2015. Collection method: not provided. Allele origin: germline. Inheritance: Autosomal recessive inheritance. Affected: yes.